The following is an entry in ClinVar:

ClinVar aggregate classification (germline): Likely pathogenic (1 of 4 stars; one submission).

Conditions:
Ehlers-Danlos syndrome, type 4 (EDSVASC). Also called: Ehlers-Danlos syndrome vascular type; Ehlers Danlos syndrome, ecchymotic type; Ehlers Danlos syndrome, arterial type; Ehlers Danlos syndrome, Sack-Barabas type; Ehlers-Danlos Syndrome Type IV. Identifiers: Orphanet 286, MedGen C0268338, MONDO:0017314, OMIM 130050.

Submission:

Labcorp Genetics (formerly Invitae), Labcorp
Classification: Likely pathogenic for Ehlers-Danlos syndrome, type 4. Last evaluated: 2025-01-29. Review status: criteria provided, single submitter. Criteria: Invitae Variant Classification Sherloc (09022015). Collection method: clinical testing. Allele origin: germline.
Comment: This sequence change replaces glycine, which is neutral and non-polar, with valine, which is neutral and non-polar, at codon 609 of the COL3A1 protein (p.Gly609Val). This variant is not present in population databases (gnomAD no frequency). This missense change has been observed in individual(s) with clinical features of Ehlers-Danlos syndrome (internal data). Invitae Evidence Modeling of protein sequence and biophysical properties (such as structural, functional, and spatial information, amino acid conservation, physicochemical variation, residue mobility, and thermodynamic stability) indicates that this missense variant is expected to disrupt COL3A1 protein function with a positive predictive value of 95%. This variant disrupts the triple helix domain of COL3A1. Glycine residues within the Gly-Xaa-Yaa repeats of the triple helix domain are required for the structure and stability of fibrillar collagens (PMID: 7695699, 8218237, 19344236). In COL3A1, variants that affect these glycine residues are significantly enriched in individuals with disease (PMID: 24922459, 25758994) compared to the general population (ExAC). In summary, the currently available evidence indicates that the variant is pathogenic, but additional data are needed to prove that conclusively. Therefore, this variant has been classified as Likely Pathogenic.

Literature cited by the submitters: PubMed 7695699; PubMed 8218237; PubMed 19344236; PubMed 24922459; PubMed 25758994.

NM_000090.4(COL3A1):c.1826G>T (p.Gly609Val)

Gene: COL3A1 (collagen type III alpha 1 chain; plus strand). Cytogenetic location: 2q32.2.
Variant type: single nucleotide variant.
Coding change: c.1826G>T on transcript NM_000090.4 (MANE Select); coding-DNA position 1826, G replaced by T.
Protein change: p.Gly609Val; replaces glycine 609 with valine.
Molecular consequence: missense variant.
Genome position (GRCh38, 1-based): chr2:188,997,346, G>T. VCF-style: chr2-188997346-G-T. GRCh37 (hg19) VCF-style: chr2-189862072-G-T.
Other names: short protein forms G609V.
Identifiers: ClinVar variation 3634096 (VCV003634096.2).